The following is an entry in ClinVar:

NM_000834.5(GRIN2B):c.3227A>G (p.Asn1076Ser)

Gene: GRIN2B (glutamate ionotropic receptor NMDA type subunit 2B; minus strand). Cytogenetic location: 12p13.1.
Variant type: single nucleotide variant.
Coding change: c.3227A>G on transcript NM_000834.5 (MANE Select); coding-DNA position 3227, A replaced by G.
Protein change: p.Asn1076Ser; replaces asparagine 1076 with serine.
Molecular consequence: missense variant.
Genome position (GRCh38, 1-based): chr12:13,564,011, T>C on the plus strand (A>G on the coding strand, the complement: GRIN2B is on the minus strand). VCF-style: chr12-13564011-T-C. GRCh37 (hg19) VCF-style: chr12-13716945-T-C.
Other names: c.3227A>G, p.Asn1076Ser (NM_001413992.1); short protein forms N1076S.
Identifiers: ClinVar variation 1969921 (VCV001969921.5), dbSNP rs1489071165, ClinGen allele CA383990359.
Genomic context (GRCh38, chr12:13,564,011, plus strand): 5'-GCCGAGGCAGGCCGCTTCTTCAGGCTGTCCTTATATTGCTGCTTACGCCTCTTGGCGGCA[T>C]TGCCCTCGATGTTCCCATAGGTGACGGTGTGGGTTGAGATGTCAGAGACATCGGAGCGGA-3'
Protein context (NP_000825.2, residues 1066-1086): HTVTYGNIEG[Asn1076Ser]AAKRRKQQYK

ClinVar aggregate classification (germline): Uncertain significance (1 of 4 stars; one submission).

Conditions:
Developmental and epileptic encephalopathy, 27 (DEE27). Also called: GRIN2B-Related Neurodevelopmental Disorder; Epileptic encephalopathy, early infantile, 27. Identifiers: Orphanet 3451, MedGen C4015316, MONDO:0014505, OMIM 616139.
Intellectual developmental disorder, autosomal dominant 6, with or without seizures. Also called: GRIN2B-related developmental delay, intellectual disability and autism spectrum disorder; Intellectual disability, autosomal dominant 6. Identifiers: Orphanet 589547, MedGen C3151411, MONDO:0013509, OMIM 613970.

Allele frequency attached by ClinVar (database versions not stated): gnomAD exomes below 0.00001.
gnomAD v4.1: 1 of 1,614,246 alleles (0.000062%); highest among the groups gnomAD compares: Admixed American, 0.0017%; no homozygotes.

Submission:

Labcorp Genetics (formerly Invitae), Labcorp
Classification: Uncertain significance for Developmental and epileptic encephalopathy, 27; Intellectual developmental disorder, autosomal dominant 6, with or without seizures. Last evaluated: 2022-09-23. Review status: criteria provided, single submitter. Criteria: Invitae Variant Classification Sherloc (09022015). Collection method: clinical testing. Allele origin: germline.
Comment: In summary, the available evidence is currently insufficient to determine the role of this variant in disease. Therefore, it has been classified as a Variant of Uncertain Significance. Advanced modeling of protein sequence and biophysical properties (such as structural, functional, and spatial information, amino acid conservation, physicochemical variation, residue mobility, and thermodynamic stability) performed at Invitae indicates that this missense variant is not expected to disrupt GRIN2B protein function. This variant has not been reported in the literature in individuals affected with GRIN2B-related conditions. This variant is present in population databases (no rsID available, gnomAD 0.003%). This sequence change replaces asparagine, which is neutral and polar, with serine, which is neutral and polar, at codon 1076 of the GRIN2B protein (p.Asn1076Ser).